The following is an entry in ClinVar:

ClinVar aggregate classification (germline): Conflicting classifications of pathogenicity. Review status: criteria provided, conflicting classifications (1 of 4 stars). 3 submissions from 3 submitters: Uncertain significance (2); Likely benign (1). Last evaluated 2024-10-16.

Conditions:
Developmental and epileptic encephalopathy, 36 (DEE36). Also called: Epileptic encephalopathy, early infantile, 36; ALG13-CDG; Congenital disorder of glycosylation, type Is. Identifiers: Orphanet 324422, MedGen C4317295, MONDO:0010472, OMIM 300884.

Submissions (3):

Labcorp Genetics (formerly Invitae), Labcorp
Classification: Uncertain significance for Developmental and epileptic encephalopathy, 36. Last evaluated: 2024-10-16. Review status: criteria provided, single submitter. Criteria: Invitae Variant Classification Sherloc (09022015). Collection method: clinical testing. Allele origin: germline.
Comment: This variant, c.2874_2888del, results in the deletion of 5 amino acid(s) of the ALG13 protein (p.Leu961_Pro965del), but otherwise preserves the integrity of the reading frame. This variant is not present in population databases (gnomAD no frequency). This variant has not been reported in the literature in individuals affected with ALG13-related conditions. ClinVar contains an entry for this variant (Variation ID: 1367202). Experimental studies and prediction algorithms are not available or were not evaluated, and the functional significance of this variant is currently unknown. In summary, the available evidence is currently insufficient to determine the role of this variant in disease. Therefore, it has been classified as a Variant of Uncertain Significance.

Blueprint Genetics
Classification: Likely benign. Last evaluated: 2024-03-19. Review status: criteria provided, single submitter. Criteria: ACMG Guidelines, 2015. Collection method: clinical testing. Allele origin: germline.

Fulgent Genetics
Classification: Uncertain significance for Developmental and epileptic encephalopathy, 36. Last evaluated: 2021-07-07. Review status: criteria provided, single submitter. Criteria: ACMG Guidelines, 2015. Collection method: clinical testing. Allele origin: unknown.

NM_001099922.3(ALG13):c.2874_2888del (p.Leu961_Pro965del)

Gene: ALG13 (ALG13 UDP-N-acetylglucosaminyltransferase subunit; plus strand). Cytogenetic location: Xq23.
Variant type: Deletion.
Coding change: c.2874_2888del on transcript NM_001099922.3 (MANE Select); coding-DNA positions 2874 to 2888, 15 bases deleted (ACCACCACTACCACC).
Protein change: p.Leu961_Pro965del.
Molecular consequence: inframe deletion. On other transcripts: intron variant (5).
Genome position (GRCh38, 1-based): chrX:111,744,846-111,744,860, ACCACCACTACCACC deleted; deleting any 15 consecutive bases within chrX:111,744,840-111,744,860 gives the same sequence; the c. name uses the placement nearest the transcript's 3' end. VCF-style (leftmost placement, unchanged base first): chrX-111744839-AACCACCACCACCACT-A. GRCh37 (hg19) VCF-style: chrX-110988067-AACCACCACCACCACT-A.
Other names: c.2640_2654del, p.Leu883_Pro887del (NM_001257231.2); c.2384-7944_2384-7930del (NM_001257237.2, NM_001257234.2, NM_001257230.2); c.2210-7944_2210-7930del (NM_001324293.1); c.2696-7944_2696-7930del (NM_001324292.2).
Identifiers: ClinVar variation 1367202 (VCV001367202.9), dbSNP rs746614953, ClinGen allele CA10493998.
Genomic context (GRCh38, chrX:111,744,839, plus strand): 5'-CTCCTCCTCCTCCTCCTCCTCCTCCTCCTGCTCTTGATGTGGGAGAGACTTCAAACTTAC[AACCACCACCACCACT>A]ACCACCTCCACCTTATTCCTGTGATCCAAGCGGCAGTGATTTGCCTCAAGGTAAGTAGAT-3'